The following is an entry in ClinVar:

NM_003737.4(DCHS1):c.6106C>T (p.Leu2036Phe)

Gene: DCHS1 (dachsous cadherin-related 1; minus strand). Cytogenetic location: 11p15.4.
Variant type: single nucleotide variant.
Coding change: c.6106C>T on transcript NM_003737.4 (MANE Select); coding-DNA position 6106, C replaced by T.
Protein change: p.Leu2036Phe; replaces leucine 2036 with phenylalanine.
Molecular consequence: missense variant.
Genome position (GRCh38, 1-based): chr11:6,626,933, G>A on the plus strand (C>T on the coding strand, the complement: DCHS1 is on the minus strand). VCF-style: chr11-6626933-G-A. GRCh37 (hg19) VCF-style: chr11-6648164-G-A.
Other names: c.6106C>T (NM_003737.2); short protein forms L2036F.
Identifiers: ClinVar variation 2980623 (VCV002980623.4), dbSNP rs74961719, ClinGen allele CA379389289.

ClinVar aggregate classification (germline): Uncertain significance. Review status: criteria provided, multiple submitters, no conflicts (2 of 4 stars). 2 submissions from 2 submitters: Uncertain significance (2). Last evaluated 2025-04-01.

Conditions:
Inborn genetic diseases. Identifiers: MedGen C0950123, MeSH D030342.

Allele frequency attached by ClinVar (database versions not stated): TOPMed below 0.00001.
gnomAD v4.1: 2 of 1,613,720 alleles (0.00012%); highest among the groups gnomAD compares: Non-Finnish European, 0.00017%; no homozygotes.

Submissions (2):

Ambry Genetics
Classification: Uncertain significance for Inborn genetic diseases. Last evaluated: 2025-04-01. Review status: criteria provided, single submitter. Criteria: Ambry Variant Classification Scheme 2023. Collection method: clinical testing. Allele origin: germline.

Labcorp Genetics (formerly Invitae), Labcorp
Classification: Uncertain significance. Last evaluated: 2024-06-20. Review status: criteria provided, single submitter. Criteria: Invitae Variant Classification Sherloc (09022015). Collection method: clinical testing. Allele origin: germline.
Comment: This sequence change replaces leucine, which is neutral and non-polar, with phenylalanine, which is neutral and non-polar, at codon 2036 of the DCHS1 protein (p.Leu2036Phe). This variant is not present in population databases (gnomAD no frequency). This variant has not been reported in the literature in individuals affected with DCHS1-related conditions. Advanced modeling of protein sequence and biophysical properties (such as structural, functional, and spatial information, amino acid conservation, physicochemical variation, residue mobility, and thermodynamic stability) has been performed at Invitae for this missense variant, however the output from this modeling did not meet the statistical confidence thresholds required to predict the impact of this variant on DCHS1 protein function. In summary, the available evidence is currently insufficient to determine the role of this variant in disease. Therefore, it has been classified as a Variant of Uncertain Significance.